The following is an entry in ClinVar:

ClinVar aggregate classification (germline): Likely benign (1 of 4 stars; one submission).

gnomAD v4.1: 140 of 1,613,876 alleles (0.0087%); highest among the groups gnomAD compares: African/African-American, 0.016%; no homozygotes.

Submission:

Mayo Clinic Laboratories, Mayo Clinic
Classification: Likely benign. Last evaluated: 2024-12-30. Review status: criteria provided, single submitter. Criteria: ACMG Guidelines, 2015. Collection method: clinical testing. Allele origin: germline. Observed: 1 variant allele.
Comment: BP4, BP7

NM_001256071.3(RNF213):c.8547G>A (p.Ala2849=)

Gene: RNF213 (ring finger protein 213; plus strand). Cytogenetic location: 17q25.3.
Variant type: single nucleotide variant.
Coding change: c.8547G>A on transcript NM_001256071.3 (MANE Select); coding-DNA position 8547, G replaced by A.
Protein change: p.Ala2849=; no amino-acid change (alanine 2849 retained).
Molecular consequence: synonymous variant.
Genome position (GRCh38, 1-based): chr17:80,346,882, G>A. VCF-style: chr17-80346882-G-A. GRCh37 (hg19) VCF-style: chr17-78320682-G-A.
Other names: p.Ala2849=; c.8694G>A, p.Ala2898= (NM_001410195.1, NM_020914.5).
Identifiers: ClinVar variation 4684268 (VCV004684268.1).